The following is an entry in ClinVar:

ClinVar aggregate classification (germline): Uncertain significance (1 of 4 stars; one submission).

gnomAD v4.1: 1 of 1,613,482 alleles (0.000062%); no homozygotes.

Submission:

GeneDx
Classification: Uncertain significance. Last evaluated: 2024-01-04. Review status: criteria provided, single submitter. Criteria: GeneDx Variant Classification Process June 2021. Collection method: clinical testing. Allele origin: germline. Affected: yes.
Comment: Not observed at significant frequency in large population cohorts (gnomAD); In silico analysis supports that this missense variant does not alter protein structure/function; Has not been previously published as pathogenic or benign to our knowledge

NM_003482.4(KMT2D):c.10616G>A (p.Arg3539Gln)

Gene: KMT2D (lysine methyltransferase 2D; minus strand). Cytogenetic location: 12q13.12.
Variant type: single nucleotide variant.
Coding change: c.10616G>A on transcript NM_003482.4 (MANE Select); coding-DNA position 10616, G replaced by A.
Protein change: p.Arg3539Gln; replaces arginine 3539 with glutamine.
Molecular consequence: missense variant.
Genome position (GRCh38, 1-based): chr12:49,034,191, C>T on the plus strand (G>A on the coding strand, the complement: KMT2D is on the minus strand). VCF-style: chr12-49034191-C-T. GRCh37 (hg19) VCF-style: chr12-49427974-C-T.
Other names: short protein forms R3539Q.
Identifiers: ClinVar variation 3367454 (VCV003367454.1).